The following is an entry in ClinVar:

ClinVar aggregate classification (germline): Uncertain significance. Review status: criteria provided, multiple submitters, no conflicts (2 of 4 stars). 2 submissions from 2 submitters: Uncertain significance (2). Last evaluated 2025-01-20.

Conditions:
Inborn genetic diseases. Identifiers: MedGen C0950123, MeSH D030342.
Charcot-Marie-Tooth disease type 1C. Also called: Charcot-Marie-Tooth disease, type IC; HMSN IC; CHARCOT-MARIE-TOOTH DISEASE, DEMYELINATING, TYPE 1C; CMT, SLOW NERVE CONDUCTION TYPE C; CHARCOT-MARIE-TOOTH NEUROPATHY, TYPE 1C; NEUROPATHY, HEREDITARY MOTOR AND SENSORY, TYPE IC. Identifiers: Orphanet 101083, MedGen C0270913, MONDO:0010995, OMIM 601098.

gnomAD v4.1: 2 of 1,614,020 alleles (0.00012%); highest among the groups gnomAD compares: Admixed American, 0.0033%; no homozygotes.

Submissions (2):

Labcorp Genetics (formerly Invitae), Labcorp
Classification: Uncertain significance for Charcot-Marie-Tooth disease type 1C. Last evaluated: 2025-01-20. Review status: criteria provided, single submitter. Criteria: Invitae Variant Classification Sherloc (09022015). Collection method: clinical testing. Allele origin: germline.
Comment: This sequence change replaces methionine, which is neutral and non-polar, with isoleucine, which is neutral and non-polar, at codon 94 of the LITAF protein (p.Met94Ile). This variant is not present in population databases (gnomAD no frequency). This variant has not been reported in the literature in individuals affected with LITAF-related conditions. An algorithm developed to predict the effect of missense changes on protein structure and function (PolyPhen-2) suggests that this variant is likely to be disruptive. In summary, the available evidence is currently insufficient to determine the role of this variant in disease. Therefore, it has been classified as a Variant of Uncertain Significance.

Ambry Genetics
Classification: Uncertain significance for Inborn genetic diseases. Last evaluated: 2024-07-07. Review status: criteria provided, single submitter. Criteria: Ambry Variant Classification Scheme 2023. Collection method: clinical testing. Allele origin: germline.

NM_001136472.2(LITAF):c.282G>C (p.Met94Ile)

Gene: LITAF (lipopolysaccharide induced TNF factor; minus strand). Cytogenetic location: 16p13.13.
Variant type: single nucleotide variant.
Coding change: c.282G>C on transcript NM_001136472.2 (MANE Select); coding-DNA position 282, G replaced by C.
Protein change: p.Met94Ile; replaces methionine 94 with isoleucine.
Molecular consequence: missense variant. On other transcripts: non-coding transcript variant (1).
Genome position (GRCh38, 1-based): chr16:11,553,628, C>G on the plus strand (G>C on the coding strand, the complement: LITAF is on the minus strand). VCF-style: chr16-11553628-C-G. GRCh37 (hg19) VCF-style: chr16-11647484-C-G.
Other names: c.282G>C, p.Met94Ile (NM_001136473.1, NM_004862.4); short protein forms M94I.
Identifiers: ClinVar variation 3538529 (VCV003538529.3).
Genomic context (GRCh38, chr16:11,553,628, plus strand): 5'-CAGAGCACCGGCGTTATAGGACAGCTGACTCACGATCATCTTGTTGCAGGAAGGACAACA[C>G]ATTTGGATAGGGCGGTCCAAAAAGGTGATGGGGTGCTGCACGTAGACCGTCTGCACGGTA-3'
Protein context (NP_001129944.1, residues 84-104): PITFLDRPIQ[Met94Ile]CCPSCNKMIV